The following is an entry in ClinVar:

ClinVar aggregate classification (germline): Uncertain significance (1 of 4 stars; one submission).

Conditions:
Cardiovascular phenotype. Identifiers: MedGen CN230736.

Submission:

Ambry Genetics
Classification: Uncertain significance for Cardiovascular phenotype. Last evaluated: 2026-06-05. Review status: criteria provided, single submitter. Criteria: Ambry Variant Classification Scheme 2023. Collection method: clinical testing. Allele origin: germline.
Comment: The c.11092-2A>C intronic variant results from an A to C substitution two nucleotides upstream from coding exon 80 in the RYR2 gene. This nucleotide position is highly conserved in available vertebrate species. In silico splice site analysis predicts that this alteration will weaken the native splice acceptor site and will result in the creation or strengthening of a novel splice acceptor site. Variants that disrupt the canonical splice site are expected to cause aberrant splicing, resulting in an abnormal protein or a transcript that is subject to nonsense-mediated mRNA decay. However, loss of function has not been established as a mechanism of disease. Based on the available evidence, the clinical significance of this variant remains unclear.

NM_001035.3(RYR2):c.11092-2A>C

Gene: RYR2 (ryanodine receptor 2; plus strand). Cytogenetic location: 1q43.
Variant type: single nucleotide variant.
Coding change: c.11092-2A>C on transcript NM_001035.3 (MANE Select); the canonical splice acceptor site of the intron before coding-DNA position 11092, A replaced by C.
Molecular consequence: splice acceptor variant.
Genome position (GRCh38, 1-based): chr1:237,742,294, A>C. VCF-style: chr1-237742294-A-C. GRCh37 (hg19) VCF-style: chr1-237905594-A-C.
Identifiers: ClinVar variation 4863729 (VCV004863729.1).